The following is an entry in ClinVar:

NM_000660.7(TGFB1):c.442G>A (p.Val148Met)

Gene: TGFB1 (transforming growth factor beta 1; minus strand). Cytogenetic location: 19q13.2.
Variant type: single nucleotide variant.
Coding change: c.442G>A on transcript NM_000660.7 (MANE Select); coding-DNA position 442, G replaced by A.
Protein change: p.Val148Met; replaces valine 148 with methionine.
Molecular consequence: missense variant.
Genome position (GRCh38, 1-based): chr19:41,348,369, C>T on the plus strand (G>A on the coding strand, the complement: TGFB1 is on the minus strand). VCF-style: chr19-41348369-C-T. GRCh37 (hg19) VCF-style: chr19-41854274-C-T.
Other names: short protein forms V148M.
Identifiers: ClinVar variation 1348432 (VCV001348432.8), dbSNP rs142642007, ClinGen allele CA9460092.

ClinVar aggregate classification (germline): Uncertain significance (1 of 4 stars; one submission).

Allele frequency attached by ClinVar (database versions not stated): gnomAD 0.00005; TOPMed 0.00005; ESP Exome Variant Server 0.00008.
gnomAD v4.1: 38 of 1,613,636 alleles (0.0024%); highest among the groups gnomAD compares: Non-Finnish European, 0.0027%; no homozygotes.

Submission:

Labcorp Genetics (formerly Invitae), Labcorp
Classification: Uncertain significance. Last evaluated: 2026-01-12. Review status: criteria provided, single submitter. Criteria: Invitae Variant Classification Sherloc (09022015). Collection method: clinical testing. Allele origin: germline.
Comment: This sequence change replaces valine, which is neutral and non-polar, with methionine, which is neutral and non-polar, at codon 148 of the TGFB1 protein (p.Val148Met). This variant is present in population databases (rs142642007, gnomAD 0.008%). This missense change has been observed in individual(s) with clinical features of Camurati-Engelmann disease (internal data). ClinVar contains an entry for this variant (Variation ID: 1348432). Invitae Evidence Modeling of protein sequence and biophysical properties (such as structural, functional, and spatial information, amino acid conservation, physicochemical variation, residue mobility, and thermodynamic stability) indicates that this missense variant is not expected to disrupt TGFB1 protein function with a negative predictive value of 80%. In summary, the available evidence is currently insufficient to determine the role of this variant in disease. Therefore, it has been classified as a Variant of Uncertain Significance.